The following is an entry in ClinVar:

NM_005633.4(SOS1):c.1648_1650del (p.Leu550del)

Gene: SOS1 (SOS Ras/Rac guanine nucleotide exchange factor 1; minus strand). Cytogenetic location: 2p22.1.
Variant type: Deletion.
Coding change: c.1648_1650del on transcript NM_005633.4 (MANE Select); coding-DNA positions 1648 to 1650, 3 bases deleted (CTG; older notation c.1648_1650delCTG).
Protein change: p.Leu550del; deletes leucine 550.
Molecular consequence: inframe deletion.
Genome position (GRCh38, 1-based): chr2:39,022,778-39,022,780, CAG deleted on the plus strand (CTG on the coding strand, the reverse complement: SOS1 is on the minus strand). VCF-style (leftmost placement, unchanged base first): chr2-39022777-CCAG-C. GRCh37 (hg19) VCF-style: chr2-39249918-CCAG-C.
Other names: c.1627_1629del, p.Leu543del (NM_001382394.1); c.1648_1650del, p.Leu550del (NM_001382395.1); short protein forms L550del, L543del.
Identifiers: ClinVar variation 836615 (VCV000836615.9), dbSNP rs1669838767, ClinGen allele CA916082172.

ClinVar aggregate classification (germline): Uncertain significance (1 of 4 stars; one submission).

Conditions:
RASopathy. Also called: Noonan spectrum disorder; rasopathies. Identifiers: Orphanet 536391, MedGen C5555857, MONDO:0021060.

Submission:

Labcorp Genetics (formerly Invitae), Labcorp
Classification: Uncertain significance for RASopathy. Last evaluated: 2019-02-14. Review status: criteria provided, single submitter. Criteria: Invitae Variant Classification Sherloc (09022015). Collection method: clinical testing. Allele origin: germline.
Comment: In summary, the available evidence is currently insufficient to determine the role of this variant in disease. Therefore, it has been classified as a Variant of Uncertain Significance. Experimental studies and prediction algorithms are not available for this variant, and the functional significance of the affected amino acid(s) is currently unknown. This variant is not present in population databases (ExAC no frequency). This variant, c.1648_1650del, results in the deletion of 1 amino acid(s) of the SOS1 protein (p.Leu550del), but otherwise preserves the integrity of the reading frame.